The following is an entry in ClinVar:

NM_001206999.2(CIT):c.5999G>A (p.Arg2000His)

Gene: CIT (citron rho-interacting serine/threonine kinase; minus strand). Cytogenetic location: 12q24.23.
Variant type: single nucleotide variant.
Coding change: c.5999G>A on transcript NM_001206999.2 (MANE Select); coding-DNA position 5999, G replaced by A.
Protein change: p.Arg2000His; replaces arginine 2000 with histidine.
Molecular consequence: missense variant.
Genome position (GRCh38, 1-based): chr12:119,690,338, C>T on the plus strand (G>A on the coding strand, the complement: CIT is on the minus strand). VCF-style: chr12-119690338-C-T. GRCh37 (hg19) VCF-style: chr12-120128143-C-T.
Other names: c.5873G>A, p.Arg1958His (NM_007174.3); short protein forms R1958H, R2000H.
Identifiers: ClinVar variation 1254402 (VCV001254402.5), dbSNP rs200787337, ClinGen allele CA6820666.

ClinVar aggregate classification (germline): Uncertain significance. Review status: criteria provided, multiple submitters, no conflicts (2 of 4 stars). 3 submissions from 3 submitters: Uncertain significance (3). Last evaluated 2022-10-25.

Conditions:
Inborn genetic diseases. Identifiers: MedGen C0950123, MeSH D030342.

Allele frequency attached by ClinVar (database versions not stated): TOPMed 0.00009; gnomAD 0.00018 and 0.00019; ExAC 0.00006.
gnomAD v4.1: 269 of 1,597,300 alleles (0.017%); highest among the groups gnomAD compares: Non-Finnish European, 0.02%; no homozygotes.

Submissions (3):

Ambry Genetics
Classification: Uncertain significance for Inborn genetic diseases. Last evaluated: 2022-10-25. Review status: criteria provided, single submitter. Criteria: Ambry Variant Classification Scheme 2023. Collection method: clinical testing. Allele origin: germline.

Labcorp Genetics (formerly Invitae), Labcorp
Classification: Uncertain significance. Last evaluated: 2022-10-13. Review status: criteria provided, single submitter. Criteria: Invitae Variant Classification Sherloc (09022015). Collection method: clinical testing. Allele origin: germline.
Comment: This sequence change replaces arginine, which is basic and polar, with histidine, which is basic and polar, at codon 2000 of the CIT protein (p.Arg2000His). This variant is present in population databases (rs200787337, gnomAD 0.04%). This variant has not been reported in the literature in individuals affected with CIT-related conditions. ClinVar contains an entry for this variant (Variation ID: 1254402). Algorithms developed to predict the effect of missense changes on protein structure and function (SIFT, PolyPhen-2, Align-GVGD) all suggest that this variant is likely to be disruptive. In summary, the available evidence is currently insufficient to determine the role of this variant in disease. Therefore, it has been classified as a Variant of Uncertain Significance.

GeneDx
Classification: Uncertain significance. Last evaluated: 2021-07-21. Review status: criteria provided, single submitter. Criteria: GeneDx Variant Classification Process June 2021. Collection method: clinical testing. Allele origin: germline. Affected: yes.
Comment: In silico analysis supports that this missense variant does not alter protein structure/function; Has not been previously published as pathogenic or benign to our knowledge